The following is an entry in ClinVar:

ClinVar aggregate classification (germline): Likely benign. Review status: criteria provided, multiple submitters, no conflicts (2 of 4 stars). 8 submissions from 8 submitters: Likely benign (4). 4 of the submissions do not count toward it. Last evaluated 2024-11-28.

Conditions:
Pseudohypoparathyroidism type 1C (PHP1C). Also called: Pseudohypoparathyroidism Ic (PHP-Ic); PHP IC; PSEUDOHYPOPARATHYROIDISM, TYPE IC. Identifiers: Orphanet 79444, MedGen C2932716, MONDO:0012911, OMIM 612462.
Progressive osseous heteroplasia (POH). Also called: Osteoma cutis; Progressive Osseus Heteroplasia (POH); ECTOPIC OSSIFICATION, FAMILIAL; Osseus Heteroplasia, Progressive. Identifiers: Orphanet 2762, MedGen C0334041, MONDO:0008153, OMIM 166350, HP:0025027.
Pituitary adenoma 3, multiple types. Also called: PITUITARY ADENOMA 3, ACTH-SECRETING, SOMATIC; PITUITARY ADENOMA 3, GROWTH HORMONE-SECRETING, SOMATIC. Identifiers: MedGen C4540135, MONDO:0054665, OMIM 617686.
McCune-Albright syndrome (MAS). Also called: Albright's Syndrome; Albright's disease; Fibrous Dysplasia / McCune-Albright Syndrome; ALBRIGHT SYNDROME; McCune-Albright syndrome, somatic, mosaic. Identifiers: Orphanet 562, MedGen C0242292, MONDO:0018919, OMIM 174800.
Pseudohypoparathyroidism type 1B (PHP1B). Also called: Pseudohypoparathyroidism Ib (PHP-Ib); PHP IB; Pseudohypoparathyroidism Type IB. Identifiers: Orphanet 94089, MedGen C1864100, MONDO:0011301, OMIM 603233.
Pseudopseudohypoparathyroidism (PPHP). Also called: Pseudopseudohypoparathyroidism (PPHP); ALBRIGHT HEREDITARY OSTEODYSTROPHY WITHOUT MULTIPLE HORMONE RESISTANCE. Identifiers: Orphanet 79445, MedGen C0033835, MONDO:0012912, OMIM 612463.
ACTH-independent macronodular adrenal hyperplasia 1 (AIMAH1). Also called: CORTICOTROPIN-INDEPENDENT MACRONODULAR ADRENAL HYPERPLASIA; ACTH-INDEPENDENT MACRONODULAR ADRENOCORTICAL HYPERPLASIA; ACTH-independent macronodular adrenal hyperplasia, somatic; ADRENOCORTICOTROPIC HORMONE-INDEPENDENT MACRONODULAR ADRENAL HYPERPLASIA; CUSHING SYNDROME, ADRENAL, DUE TO AIMAH. Identifiers: MedGen C1857451, MONDO:0020735, OMIM 219080.
Pseudohypoparathyroidism type I A (PHP1A). Also called: Pseudohypoparathyroidism type 1A; Pseudohypoparathyroidism Ia (PHP-Ia); ALBRIGHT HEREDITARY OSTEODYSTROPHY WITH MULTIPLE HORMONE RESISTANCE; PHP IA; Pseudohypoparathyroidism Type IA. Identifiers: Orphanet 79443, MedGen C3494506, MONDO:0007078, OMIM 103580.
GNAS-related disorder. Identifiers: MedGen CN380105.

Allele frequency attached by ClinVar (database versions not stated): gnomAD exomes 0.00947 and 0.01480; gnomAD 0.01067 and 0.01117; ExAC 0.01265.
gnomAD v4.1: 21,649 of 1,505,282 alleles (1.4%); highest among the groups gnomAD compares: African/African-American, 5.3%; 10 homozygotes.

Submissions (8):

Blueprint Genetics
Classification: Likely benign. Last evaluated: 2024-11-28. Review status: criteria provided, single submitter. Criteria: ACMG Guidelines, 2015. Collection method: clinical testing. Allele origin: germline.

Fulgent Genetics
Classification: Likely benign for Pseudohypoparathyroidism type I A; Progressive osseous heteroplasia; McCune-Albright syndrome; ACTH-independent macronodular adrenal hyperplasia 1; Pseudohypoparathyroidism type 1B; Pseudohypoparathyroidism type 1C; Pseudopseudohypoparathyroidism; Pituitary adenoma 3, multiple types. Last evaluated: 2022-04-08. Review status: criteria provided, single submitter. Criteria: ACMG Guidelines, 2015. Collection method: clinical testing. Allele origin: unknown.

GeneDx
Classification: Likely benign. Last evaluated: 2018-11-05. Review status: criteria provided, single submitter. Criteria: GeneDx Variant Classification Process June 2021. Collection method: clinical testing. Allele origin: germline. Affected: yes.
Comment: This variant is associated with the following publications: (PMID: 30022773)

Breakthrough Genomics
Classification: Likely benign. Review status: criteria provided, single submitter. Criteria: ACMG Guidelines, 2015. Collection method: not provided. Allele origin: germline. Inheritance: Autosomal dominant inheritance. Affected: yes.

PreventionGenetics, part of Exact Sciences
Classification: Benign for GNAS-related condition. Last evaluated: 2019-09-24. Review status: no assertion criteria provided. Collection method: clinical testing. Allele origin: germline. Not counted in ClinVar's aggregate classification.
Comment: This variant is classified as benign based on ACMG/AMP sequence variant interpretation guidelines (Richards et al. 2015 PMID: 25741868, with internal and published modifications).

ITMI
No classification provided. Condition: AllHighlyPenetrant. Last evaluated: 2013-09-19. Review status: no classification provided. Collection method: reference population. Allele origin: germline. Not counted in ClinVar's aggregate classification.
Comment: Please see associated publication for description of ethnicities

Clinical Genetics, Academic Medical Center
Classification: Benign. Review status: no assertion criteria provided. Collection method: clinical testing. Allele origin: germline. Affected: yes. Study: VKGL Data-share Consensus. Not counted in ClinVar's aggregate classification.

Laboratory of Diagnostic Genome Analysis, Leiden University Medical Center (LUMC)
Classification: Likely benign. Review status: no assertion criteria provided. Collection method: clinical testing. Allele origin: germline. Affected: yes. Study: VKGL Data-share Consensus. Not counted in ClinVar's aggregate classification.

Literature cited by the submitters: PubMed 24728327 (cited by ITMI).

NM_080425.4(GNAS):c.1376C>G (p.Pro459Arg)

Gene: GNAS (GNAS complex locus; plus strand). Cytogenetic location: 20q13.32.
Variant type: single nucleotide variant.
Coding change: c.1376C>G on transcript NM_080425.4 (MANE Plus Clinical); coding-DNA position 1376, C replaced by G.
Protein change: p.Pro459Arg; replaces proline 459 with arginine.
Molecular consequence: missense variant. On other transcripts: intron variant (2), genic upstream transcript variant (1).
Genome position (GRCh38, 1-based): chr20:58,854,641, C>G. VCF-style: chr20-58854641-C-G. GRCh37 (hg19) VCF-style: chr20-57429696-C-G.
Other names: c.1189C>G, p.Leu397Val (NM_001077490.3, NM_001309883.1); c.1376C>G, p.Pro459Arg (NM_001410913.1); c.*42+13755C>G (NM_016592.5); c.-39+12766C>G (NM_001309861.2); c.-37086C>G (NM_000516.7); c.1376C>G (NM_080425.3); short protein forms L397V, P459R.
Identifiers: ClinVar variation 134480 (VCV000134480.12), dbSNP rs148033592, ClinGen allele CA159936.